The following is an entry in ClinVar:

ClinVar aggregate classification (germline): Uncertain significance (1 of 4 stars; one submission).

Allele frequency attached by ClinVar (database versions not stated): gnomAD 0.00001.
gnomAD v4.1: 1 of 1,613,962 alleles (0.000062%); highest among the groups gnomAD compares: African/African-American, 0.0013%; no homozygotes.

Submission:

Labcorp Genetics (formerly Invitae), Labcorp
Classification: Uncertain significance. Last evaluated: 2022-06-13. Review status: criteria provided, single submitter. Criteria: Invitae Variant Classification Sherloc (09022015). Collection method: clinical testing. Allele origin: germline.
Comment: This sequence change replaces threonine, which is neutral and polar, with isoleucine, which is neutral and non-polar, at codon 135 of the PHYH protein (p.Thr135Ile). This variant is not present in population databases (gnomAD no frequency). This variant has not been reported in the literature in individuals affected with PHYH-related conditions. ClinVar contains an entry for this variant (Variation ID: 954521). Algorithms developed to predict the effect of missense changes on protein structure and function (SIFT, PolyPhen-2, Align-GVGD) all suggest that this variant is likely to be tolerated. In summary, the available evidence is currently insufficient to determine the role of this variant in disease. Therefore, it has been classified as a Variant of Uncertain Significance.

NM_006214.4(PHYH):c.404C>T (p.Thr135Ile)

Gene: PHYH (phytanoyl-CoA 2-hydroxylase; minus strand). Cytogenetic location: 10p13.
Variant type: single nucleotide variant.
Coding change: c.404C>T on transcript NM_006214.4 (MANE Select); coding-DNA position 404, C replaced by T.
Protein change: p.Thr135Ile; replaces threonine 135 with isoleucine.
Molecular consequence: missense variant.
Genome position (GRCh38, 1-based): chr10:13,294,438, G>A on the plus strand (C>T on the coding strand, the complement: PHYH is on the minus strand). VCF-style: chr10-13294438-G-A. GRCh37 (hg19) VCF-style: chr10-13336438-G-A.
Other names: c.104C>T, p.Thr35Ile (NM_001037537.2, NM_001323080.2, NM_001323084.2); c.404C>T, p.Thr135Ile (NM_001323082.2, NM_001323083.2); short protein forms T35I, T135I.
Identifiers: ClinVar variation 954521 (VCV000954521.7), dbSNP rs770170910, ClinGen allele CA376036844.